The following is an entry in ClinVar:

ClinVar aggregate classification (germline): Uncertain significance (1 of 4 stars; one submission).

Allele frequency attached by ClinVar (database versions not stated): gnomAD exomes 0.00001; ExAC 0.00002; TOPMed 0.00002.
gnomAD v4.1: 14 of 1,612,434 alleles (0.00087%); highest among the groups gnomAD compares: East Asian, 0.0022%; no homozygotes.

Submission:

Labcorp Genetics (formerly Invitae), Labcorp
Classification: Uncertain significance. Last evaluated: 2025-09-24. Review status: criteria provided, single submitter. Criteria: Invitae Variant Classification Sherloc (09022015). Collection method: clinical testing. Allele origin: germline.
Comment: This sequence change replaces glutamic acid, which is acidic and polar, with lysine, which is basic and polar, at codon 860 of the PLEKHM2 protein (p.Glu860Lys). This variant is present in population databases (rs770725489, gnomAD 0.003%). This variant has not been reported in the literature in individuals affected with PLEKHM2-related conditions. ClinVar contains an entry for this variant (Variation ID: 836010). An algorithm developed to predict the effect of missense changes on protein structure and function (PolyPhen-2) suggests that this variant is likely to be tolerated. In summary, the available evidence is currently insufficient to determine the role of this variant in disease. Therefore, it has been classified as a Variant of Uncertain Significance.

NM_015164.4(PLEKHM2):c.2578G>A (p.Glu860Lys)

Gene: PLEKHM2 (pleckstrin homology and RUN domain containing M2; plus strand). Cytogenetic location: 1p36.21.
Variant type: single nucleotide variant.
Coding change: c.2578G>A on transcript NM_015164.4 (MANE Select); coding-DNA position 2578, G replaced by A.
Protein change: p.Glu860Lys; replaces glutamic acid 860 with lysine.
Molecular consequence: missense variant.
Genome position (GRCh38, 1-based): chr1:15,732,001, G>A. VCF-style: chr1-15732001-G-A. GRCh37 (hg19) VCF-style: chr1-16058496-G-A.
Other names: short protein forms E860K.
Identifiers: ClinVar variation 836010 (VCV000836010.9), dbSNP rs770725489, ClinGen allele CA617302.